The following is an entry in ClinVar:

NM_001079802.2(FKTN):c.1033A>G (p.Lys345Glu)

Gene: FKTN (fukutin; plus strand). Cytogenetic location: 9q31.2.
Variant type: single nucleotide variant.
Coding change: c.1033A>G on transcript NM_001079802.2 (MANE Select); coding-DNA position 1033, A replaced by G.
Protein change: p.Lys345Glu; replaces lysine 345 with glutamic acid.
Molecular consequence: missense variant. On other transcripts: non-coding transcript variant (1).
Genome position (GRCh38, 1-based): chr9:105,618,081, A>G. VCF-style: chr9-105618081-A-G. GRCh37 (hg19) VCF-style: chr9-108380362-A-G.
Other names: c.1033A>G, p.Lys345Glu (NM_001198963.2, NM_001351496.2, NM_001351498.2 and 1 more transcripts); c.964A>G, p.Lys322Glu (NM_001351497.2); c.637A>G, p.Lys213Glu (NM_001351499.2, NM_001351500.2, NM_001351501.2 and 1 more transcripts); short protein forms K213E, K345E, K322E.
Identifiers: ClinVar variation 1347914 (VCV001347914.5), dbSNP rs2133163596, ClinGen allele CA374377652.

ClinVar aggregate classification (germline): Uncertain significance (1 of 4 stars; one submission).

Conditions:
Walker-Warburg congenital muscular dystrophy. Also called: Muscular dystrophy-dystroglycanopathy, type A; Walker-Warburg syndrome. Identifiers: Orphanet 899, MedGen C0265221, MONDO:0000171.

Allele frequency attached by ClinVar (database versions not stated): gnomAD exomes 0.00001.
gnomAD v4.1: 7 of 1,612,348 alleles (0.00043%); highest among the groups gnomAD compares: Non-Finnish European, 0.00059%; no homozygotes.

Submission:

Labcorp Genetics (formerly Invitae), Labcorp
Classification: Uncertain significance for Walker-Warburg congenital muscular dystrophy. Last evaluated: 2022-03-10. Review status: criteria provided, single submitter. Criteria: Invitae Variant Classification Sherloc (09022015). Collection method: clinical testing. Allele origin: germline.
Comment: This sequence change replaces lysine, which is basic and polar, with glutamic acid, which is acidic and polar, at codon 345 of the FKTN protein (p.Lys345Glu). This variant is not present in population databases (gnomAD no frequency). This variant has not been reported in the literature in individuals affected with FKTN-related conditions. Algorithms developed to predict the effect of missense changes on protein structure and function are either unavailable or do not agree on the potential impact of this missense change (SIFT: "Deleterious"; PolyPhen-2: "Possibly Damaging"; Align-GVGD: "Class C0"). In summary, the available evidence is currently insufficient to determine the role of this variant in disease. Therefore, it has been classified as a Variant of Uncertain Significance.